The following is an entry in ClinVar:

NM_182961.4(SYNE1):c.11652G>C (p.Leu3884Phe)

Gene: SYNE1 (spectrin repeat containing nuclear envelope protein 1; minus strand). Cytogenetic location: 6q25.2.
Variant type: single nucleotide variant.
Coding change: c.11652G>C on transcript NM_182961.4 (MANE Select); coding-DNA position 11652, G replaced by C.
Protein change: p.Leu3884Phe; replaces leucine 3884 with phenylalanine.
Molecular consequence: missense variant.
Genome position (GRCh38, 1-based): chr6:152,350,699, C>G on the plus strand (G>C on the coding strand, the complement: SYNE1 is on the minus strand). VCF-style: chr6-152350699-C-G. GRCh37 (hg19) VCF-style: chr6-152671834-C-G.
Other names: c.11607G>C, p.Leu3869Phe (NM_033071.5); short protein forms L3869F, L3884F.
Identifiers: ClinVar variation 2071334 (VCV002071334.5), dbSNP rs779176432, ClinGen allele CA4056630.
Genomic context (GRCh38, chr6:152,350,699, plus strand): 5'-CTGGTAATCACTTTGAAGTTGATCTATTTTGTCCTTTAAAGTGACGTCCTGCACCAGTTC[C>G]AAAAGAGCTTCACCCTTCTCTCTCACTGACTTTACTGATGGTTCATGGGACAGCACCGTT-3'
Protein context (NP_892006.3, residues 3874-3894): KSVREKGEAL[Leu3884Phe]ELVQDVTLKD

ClinVar aggregate classification (germline): Uncertain significance. Review status: criteria provided, multiple submitters, no conflicts (2 of 4 stars). 2 submissions from 2 submitters: Uncertain significance (2). Last evaluated 2022-05-23.

Conditions:
Inborn genetic diseases. Identifiers: MedGen C0950123, MeSH D030342.
Emery-Dreifuss muscular dystrophy 4, autosomal dominant (EDMD4). Also called: EMERY-DREIFUSS MUSCULAR DYSTROPHY 4 WITH VARIABLE FEATURES. Identifiers: Orphanet 261, MedGen C2751807, MONDO:0013071, OMIM 612998.
Autosomal recessive ataxia, Beauce type. Also called: SYNE1 Deficiency; Spinocerebellar ataxia, autosomal recessive 8; ATAXIA, RECESSIVE, OF BEAUCE; SYNE1-Related Autosomal Recessive Cerebellar Ataxia. Identifiers: Orphanet 88644, MedGen C1853116, MONDO:0012549, OMIM 610743.

Allele frequency attached by ClinVar (database versions not stated): ExAC 0.00001; gnomAD exomes 0.00001.
gnomAD v4.1: 19 of 1,614,082 alleles (0.0012%); highest among the groups gnomAD compares: Admixed American, 0.0017%; no homozygotes.

Submissions (2):

Labcorp Genetics (formerly Invitae), Labcorp
Classification: Uncertain significance for Emery-Dreifuss muscular dystrophy 4, autosomal dominant; Autosomal recessive ataxia, Beauce type. Last evaluated: 2022-05-23. Review status: criteria provided, single submitter. Criteria: Invitae Variant Classification Sherloc (09022015). Collection method: clinical testing. Allele origin: germline.
Comment: In summary, the available evidence is currently insufficient to determine the role of this variant in disease. Therefore, it has been classified as a Variant of Uncertain Significance. Algorithms developed to predict the effect of missense changes on protein structure and function (SIFT, PolyPhen-2, Align-GVGD) all suggest that this variant is likely to be tolerated. This variant has not been reported in the literature in individuals affected with SYNE1-related conditions. This variant is present in population databases (rs779176432, gnomAD 0.003%). This sequence change replaces leucine, which is neutral and non-polar, with phenylalanine, which is neutral and non-polar, at codon 3869 of the SYNE1 protein (p.Leu3869Phe).

Ambry Genetics
Classification: Uncertain significance for Inborn genetic diseases. Last evaluated: 2021-08-30. Review status: criteria provided, single submitter. Criteria: Ambry Variant Classification Scheme 2023. Collection method: clinical testing. Allele origin: germline.